The following is an entry in ClinVar:

ClinVar aggregate classification (germline): Conflicting classifications of pathogenicity. Review status: criteria provided, conflicting classifications (1 of 4 stars). 2 submissions from 2 submitters: Likely pathogenic (1); Uncertain significance (1). Last evaluated 2025-07-07.

Conditions:
Hereditary cancer-predisposing syndrome. Also called: Neoplastic Syndromes, Hereditary; Tumor predisposition; Hereditary Cancer Syndrome; Hereditary neoplastic syndrome. Identifiers: Orphanet 140162, MedGen C0027672, MeSH D009386, MONDO:0015356.
Familial cancer of breast. Also called: Hereditary breast cancer; BREAST CANCER, FAMILIAL; hereditary breast carcinoma. Identifiers: Orphanet 227535, MedGen C0346153, MONDO:0016419, OMIM 114480. Disease mechanism: loss of function.

Submissions (2):

Labcorp Genetics (formerly Invitae), Labcorp
Classification: Uncertain significance for Familial cancer of breast. Last evaluated: 2025-07-07. Review status: criteria provided, single submitter. Criteria: Invitae Variant Classification Sherloc (09022015). Collection method: clinical testing. Allele origin: germline.
Comment: This sequence change falls in intron 5 of the BARD1 gene. It does not directly change the encoded amino acid sequence of the BARD1 protein. This variant is not present in population databases (gnomAD no frequency). This variant has not been reported in the literature in individuals affected with BARD1-related conditions. ClinVar contains an entry for this variant (Variation ID: 2777517). Algorithms developed to predict the effect of sequence changes on RNA splicing suggest that this variant may disrupt the consensus splice site. In summary, the available evidence is currently insufficient to determine the role of this variant in disease. Therefore, it has been classified as a Variant of Uncertain Significance.

Ambry Genetics
Classification: Likely pathogenic for Hereditary cancer-predisposing syndrome. Last evaluated: 2025-07-03. Review status: criteria provided, single submitter. Criteria: Ambry Variant Classification Scheme 2023. Collection method: clinical testing. Allele origin: germline.
Comment: The c.1396-10A>G intronic variant results from an A to G substitution 10 nucleotides upstream from coding exon 6 in the BARD1 gene. This nucleotide position is well conserved in available vertebrate species. In silico splice site analysis predicts that this alteration will weaken the native splice acceptor site and will result in the creation or strengthening of a novel splice acceptor site. RNA studies have demonstrated that this alteration results in abnormal splicing in the set of samples tested (Ambry internal data). Based on the majority of available evidence to date, this variant is likely to be pathogenic.

NM_000465.4(BARD1):c.1396-10A>G

Gene: BARD1 (BRCA1 associated RING domain 1; minus strand). Cytogenetic location: 2q35.
Variant type: single nucleotide variant.
Coding change: c.1396-10A>G on transcript NM_000465.4 (MANE Select); 10 bases into the intron before coding-DNA position 1396, A replaced by G.
Molecular consequence: intron variant.
Genome position (GRCh38, 1-based): chr2:214,767,664, T>C on the plus strand (A>G on the coding strand, the complement: BARD1 is on the minus strand). VCF-style: chr2-214767664-T-C. GRCh37 (hg19) VCF-style: chr2-215632388-T-C.
Other names: c.1396-10A>G (NM_000465.2); c.159-15109A>G (NM_001282548.2); c.1339-10A>G (NM_001282543.2); c.216-15109A>G (NM_001282545.2); c.364+24633A>G (NM_001282549.2).
Identifiers: ClinVar variation 2777517 (VCV002777517.5), dbSNP rs1553619373, ClinGen allele CA2739279059.
Genomic context (GRCh38, chr2:214,767,664, plus strand): 5'-CTGGAGCAATAATTCCACTACCTTCAGGTGCCCATGATTGCAAGCTTCATGCTAATTAAA[T>C]TTTTTGAAAAAGAAGTGAAAGAAGTGATAAGAAAGAGCAATGGATGATATTATAATATCA-3'